The following is an entry in ClinVar:

ClinVar aggregate classification (germline): Uncertain significance. Review status: criteria provided, multiple submitters, no conflicts (2 of 4 stars). 2 submissions from 2 submitters: Uncertain significance (2). Last evaluated 2025-03-08.

Submissions (2):

Ambry Genetics
Classification: Uncertain significance. Last evaluated: 2025-03-08. Review status: criteria provided, single submitter. Criteria: Ambry Variant Classification Scheme 2023. Collection method: clinical testing. Allele origin: germline.

Labcorp Genetics (formerly Invitae), Labcorp
Classification: Uncertain significance. Last evaluated: 2021-10-29. Review status: criteria provided, single submitter. Criteria: Invitae Variant Classification Sherloc (09022015). Collection method: clinical testing. Allele origin: germline.
Comment: In summary, the available evidence is currently insufficient to determine the role of this variant in disease. Therefore, it has been classified as a Variant of Uncertain Significance. Algorithms developed to predict the effect of missense changes on protein structure and function are either unavailable or do not agree on the potential impact of this missense change (SIFT: "Deleterious"; PolyPhen-2: "Probably Damaging"; Align-GVGD: "Class C0"). This variant has not been reported in the literature in individuals affected with SRP72-related conditions. This variant is not present in population databases (gnomAD no frequency). This sequence change replaces cysteine, which is neutral and slightly polar, with serine, which is neutral and polar, at codon 184 of the SRP72 protein (p.Cys184Ser).

NM_006947.4(SRP72):c.550T>A (p.Cys184Ser)

Gene: SRP72 (signal recognition particle 72; plus strand). Cytogenetic location: 4q12.
Variant type: single nucleotide variant.
Coding change: c.550T>A on transcript NM_006947.4 (MANE Select); coding-DNA position 550, T replaced by A.
Protein change: p.Cys184Ser; replaces cysteine 184 with serine.
Molecular consequence: missense variant. On other transcripts: non-coding transcript variant (1).
Genome position (GRCh38, 1-based): chr4:56,474,331, T>A. VCF-style: chr4-56474331-T-A. GRCh37 (hg19) VCF-style: chr4-57340497-T-A.
Other names: c.550T>A (NM_006947.3); c.550T>A, p.Cys184Ser (NM_001267722.2); short protein forms C184S.
Identifiers: ClinVar variation 1448994 (VCV001448994.7), dbSNP rs2110113973, ClinGen allele CA356996999.
Genomic context (GRCh38, chr4:56,474,331, plus strand): 5'-CCCTGACAGGAGAACCTGGGCCTCCAAGAAGGCACACATGAGCTGTGCTACAACACTGCA[T>A]GTGCACTGATAGGCCAAGGCCAGCTGAACCAGGCCATGAAAATCCTACAAAAAGCTGAAG-3'
Protein context (NP_008878.3, residues 174-194): GTHELCYNTA[Cys184Ser]ALIGQGQLNQ